The following is an entry in ClinVar:

ClinVar aggregate classification (germline): Likely pathogenic (1 of 4 stars; one submission).

Conditions:
Epilepsy. Also called: Seizure disorder. Identifiers: MedGen C0014544, MeSH D004827, MONDO:0005027.

Submission:

Labcorp Genetics (formerly Invitae), Labcorp
Classification: Likely pathogenic for Epilepsy. Last evaluated: 2021-06-29. Review status: criteria provided, single submitter. Criteria: Invitae Variant Classification Sherloc (09022015). Collection method: clinical testing. Allele origin: germline.
Comment: This variant results in the deletion of part of exon 7 (c.1327_1335+2del) of the PIGQ gene. It is expected to disrupt RNA splicing. Variants that disrupt the donor or acceptor splice site typically lead to a loss of protein function (PMID: 16199547), and loss-of-function variants in PIGQ are known to be pathogenic (PMID: 24463883, 25558065). This variant is not present in population databases (ExAC no frequency). This variant has not been reported in the literature in individuals affected with PIGQ-related conditions. Algorithms developed to predict the effect of sequence changes on RNA splicing suggest that this variant may disrupt the consensus splice site. In summary, the currently available evidence indicates that the variant is pathogenic, but additional data are needed to prove that conclusively. Therefore, this variant has been classified as Likely Pathogenic.

Literature cited by the submitters: PubMed 16199547; PubMed 24463883; PubMed 25558065.

NM_004204.5(PIGQ):c.1327_1335+2del

Gene: PIGQ (phosphatidylinositol glycan anchor biosynthesis class Q; plus strand). Cytogenetic location: 16p13.3.
Variant type: Deletion.
Coding change: c.1327_1335+2del on transcript NM_004204.5 (MANE Select); coding-DNA position 1327 through the canonical splice donor site of the intron after coding-DNA position 1335, 11 bases deleted (CTGGACCAGGT).
Molecular consequence: splice donor variant.
Genome position (GRCh38, 1-based): chr16:579,172-579,182, CTGGACCAGGT deleted. VCF-style (leftmost placement, unchanged base first): chr16-579171-CCTGGACCAGGT-C. GRCh37 (hg19) VCF-style: chr16-629171-CCTGGACCAGGT-C.
Other names: c.1327_1335+2del (NM_148920.4).
Identifiers: ClinVar variation 1471048 (VCV001471048.6), dbSNP rs2151047692, ClinGen allele CA2573152128.